The following is an entry in ClinVar:

NM_025099.6(CTC1):c.1682G>C (p.Arg561Pro)

Gene: CTC1 (CST telomere replication complex component 1; minus strand). Cytogenetic location: 17p13.1.
Variant type: single nucleotide variant.
Coding change: c.1682G>C on transcript NM_025099.6 (MANE Select); coding-DNA position 1682, G replaced by C.
Protein change: p.Arg561Pro; replaces arginine 561 with proline.
Molecular consequence: missense variant. On other transcripts: non-coding transcript variant (1).
Genome position (GRCh38, 1-based): chr17:8,234,591, C>G on the plus strand (G>C on the coding strand, the complement: CTC1 is on the minus strand). VCF-style: chr17-8234591-C-G. GRCh37 (hg19) VCF-style: chr17-8137909-C-G.
Other names: short protein forms R561P.
Identifiers: ClinVar variation 459592 (VCV000459592.7), dbSNP rs373690929, ClinGen allele CA397983117.

ClinVar aggregate classification (germline): Uncertain significance (1 of 4 stars; one submission).

Conditions:
Dyskeratosis congenita. Identifiers: Orphanet 1775, MedGen C0265965, MONDO:0015780.

Allele frequency attached by ClinVar (database versions not stated): TOPMed 0.00001.

Submission:

Labcorp Genetics (formerly Invitae), Labcorp
Classification: Uncertain significance for Dyskeratosis congenita. Last evaluated: 2017-01-09. Review status: criteria provided, single submitter. Criteria: Invitae Variant Classification Sherloc (09022015). Collection method: clinical testing. Allele origin: germline.
Comment: In summary, this variant is a novel missense change that is not predicted to affect protein function. There is no indication that it causes disease, but the available evidence is currently insufficient to prove that conclusively. Therefore, it has been classified as a Variant of Uncertain Significance. Algorithms developed to predict the effect of missense changes on protein structure and function (SIFT, PolyPhen-2, Align-GVGD) all suggest that this variant is likely to be tolerated, but these predictions have not been confirmed by published functional studies. This variant is not present in population databases (ExAC no frequency) and has not been reported in the literature in individuals with a CTC1-related disease. This sequence change replaces arginine with proline at codon 561 of the CTC1 protein (p.Arg561Pro). The arginine residue is weakly conserved and there is a moderate physicochemical difference between arginine and proline.